The following is an entry in ClinVar:

ClinVar aggregate classification (germline): Pathogenic. Review status: criteria provided, multiple submitters, no conflicts (2 of 4 stars). 6 submissions from 6 submitters: Pathogenic (5). 1 of the submissions does not count toward it. Last evaluated 2026-01-24.

Conditions:
Hereditary cancer-predisposing syndrome. Also called: Neoplastic Syndromes, Hereditary; Hereditary Cancer Syndrome; Hereditary neoplastic syndrome; Tumor predisposition. Identifiers: Orphanet 140162, MedGen C0027672, MeSH D009386, MONDO:0015356.
Familial cancer of breast. Also called: BREAST CANCER, FAMILIAL; Hereditary breast cancer; hereditary breast carcinoma. Identifiers: Orphanet 227535, MedGen C0346153, MONDO:0016419, OMIM 114480. Disease mechanism: loss of function.

Submissions (6):

Labcorp Genetics (formerly Invitae), Labcorp
Classification: Pathogenic for Familial cancer of breast. Last evaluated: 2026-01-24. Review status: criteria provided, single submitter. Criteria: Invitae Variant Classification Sherloc (09022015). Collection method: clinical testing. Allele origin: germline.
Comment: This sequence change creates a premature translational stop signal (p.Val1103Leufs*6) in the PALB2 gene. While this is not anticipated to result in nonsense mediated decay, it is expected to disrupt the last 84 amino acid(s) of the PALB2 protein. This variant is not present in population databases (gnomAD no frequency). This variant has not been reported in the literature in individuals affected with PALB2-related conditions. ClinVar contains an entry for this variant (Variation ID: 460986). RNA analysis performed to evaluate the impact of this premature translational stop signal on mRNA splicing indicates it does not significantly alter splicing (internal data). This variant disrupts a region of the PALB2 protein in which other variant(s) (p.Tyr1183*) have been determined to be pathogenic (PMID: 17200671, 19609323, 20927582, 21165770). This suggests that this is a clinically significant region of the protein, and that variants that disrupt it are likely to be disease-causing. For these reasons, this variant has been classified as Pathogenic.

Color Diagnostics, LLC DBA Color Health
Classification: Pathogenic for Hereditary cancer-predisposing syndrome. Last evaluated: 2025-04-28. Review status: criteria provided, single submitter. Criteria: ACMG Guidelines, 2015. Collection method: clinical testing. Allele origin: germline.
Comment: This variant inserts 8 nucleotides in exon 12 of the PALB2 gene, creating a frameshift and premature translation stop signal. This variant c.3299_3306dup causes an out-of-frame protein change, starting at codon 1103 with a termination codon at 1108. While this variant is not expected to trigger nonsense-mediated decay, the truncation deletes part of the WD40-repeats domain important for BRCA2 and RAD51 binding (PMID: 19609323, 20871615, 25099575). This variant is expected to result in an absent or non-functional protein product. This variant has been reported in at least two individuals affected with breast cancer (PMID: 31206626, 33558524, 38918649). Other protein truncations in this region have been reported as disease-causing in ClinVar (variation ID: 126734, 402307, 450256, 460990, 803231, 927179, 2089716, 2674126). This variant has not been identified in the general population by the Genome Aggregation Database (gnomAD). Loss of PALB2 function is a known mechanism of disease. Based on the available evidence, this variant is classified as Pathogenic.

Ambry Genetics
Classification: Pathogenic for Hereditary cancer-predisposing syndrome. Last evaluated: 2025-03-31. Review status: criteria provided, single submitter. Criteria: Ambry Variant Classification Scheme 2023. Collection method: clinical testing. Allele origin: germline.
Comment: The c.3299_3306dupCTCTCAGC pathogenic mutation, located in coding exon 12 of the PALB2 gene, results from a duplication of CTCTCAGC at nucleotide position 3299, causing a translational frameshift with a predicted alternate stop codon (p.V1103Lfs*6). This alteration occurs at the 3' terminus of thePALB2 gene, is not expected to trigger nonsense-mediated mRNA decay, and only impacts the last 83 amino acids of the protein. However, premature stop codons are typically deleterious in nature and the impacted region is critical for protein function (Ambry internal data). This alteration has been identified in multiple individuals diagnosed with breast cancer (Weitzel JN et al. Cancer, 2019 08;125:2829-2836; Moradian MM et al. Hum Genome Var, 2021 Feb;8:9). This variant is considered to be rare based on population cohorts in the Genome Aggregation Database (gnomAD). Based on the supporting evidence, this alteration is interpreted as a disease-causing mutation.

Myriad Genetics, Inc.
Classification: Pathogenic for Familial cancer of breast. Last evaluated: 2023-09-15. Review status: criteria provided, single submitter. Criteria: Myriad Autosomal Dominant, Autosomal Recessive and X-Linked Classification Criteria (2023). Collection method: clinical testing. Allele origin: unknown.
Comment: This variant is considered pathogenic. This variant creates a frameshift predicted to result in premature protein truncation.

GeneDx
Classification: Pathogenic. Last evaluated: 2017-11-15. Review status: criteria provided, single submitter. Criteria: GeneDx Variant Classification (06012015). Collection method: clinical testing. Allele origin: germline. Affected: yes.
Comment: This duplication of eight nucleotides in PALB2 is denoted c.3299_3306dupCTCTCAGC at the cDNA level and p.Val1103LeufsX6 (V1103LfsX6) at the protein level. The normal sequence, with the bases that are duplicated in brackets, is ACGA[dupCTCTCAGC]GTGG. The duplication causes a frameshift which changes a Valine to a Leucine at codon 1103, and creates a premature stop codon at position 6 of the new reading frame. Although this variant has not, to our knowledge, been reported in the literature, it is predicted to cause loss of normal protein function through protein truncation. The last 84 correct amino acids are replaced by 5 incorrect ones, disrupting the regions required for interaction with POLH and POLH DNA synthesis stimulation, Rad51, and BRCA2, as well as the last 3 (WD5-7) WD repeats (Oliver 2009, Buisson 2010, Buisson 2014, UniProt). We consider this variant to be pathogenic.

Center of Medical Genetics and Primary Health Care
Classification: Pathogenic for Familial cancer of breast. Last evaluated: 2020-04-08. Review status: no assertion criteria provided. Collection method: research. Allele origin: germline. Affected: yes. Observed: 1 heterozygote. Not counted in ClinVar's aggregate classification.
Comment: The PALB2 variant p.Val1103Leufs is a frameshift variant in exon 12 located in BRCA1 and RAD51 interaction domain. The duplication causes a frameshift which changes a Valine to a Leucine at codon 1103, and creates a premature stop codon at position 6 of the new reading frame and it is predicted to cause loss of normal protein function through protein truncation and disrupt the regions required for interaction with POLH and POLH DNA synthesis stimulation, Rad51, and BRCA2, as well as the last 3 (WD5-7) WD repeats (PMID: 19609323; 20871615) (PVS1 Pathogenic Very Strong). It is in a mutation hotspot and in a vicinity of 13 pathogenic variants (PM1 Pathogenic Moderate). This variant is not found in GnomAD exomes neither in GnomAD genomes (PM2 Pathogenic Moderate). 1 pathogenic prediction from GERP versus no benign prediction supports its deleterious effect (PP3 Pathogenic Supporting). The variant is reported in ClinVar as a pathogenic variant. Therefore, this variant is classified as a Pathogenic.

Literature cited by the submitters: PubMed 17200671 (cited by Labcorp Genetics (formerly Invitae), Labcorp); PubMed 19609323 (cited by Labcorp Genetics (formerly Invitae), Labcorp and Color Diagnostics, LLC DBA Color Health); PubMed 20927582 (cited by Labcorp Genetics (formerly Invitae), Labcorp); PubMed 21165770 (cited by Labcorp Genetics (formerly Invitae), Labcorp); PubMed 20871615 (cited by Color Diagnostics, LLC DBA Color Health); PubMed 25099575 (cited by Color Diagnostics, LLC DBA Color Health); PubMed 31206626 (cited by Color Diagnostics, LLC DBA Color Health and Ambry Genetics); PubMed 33558524 (cited by Color Diagnostics, LLC DBA Color Health and Ambry Genetics); PubMed 38918649 (cited by Color Diagnostics, LLC DBA Color Health).

NM_024675.4(PALB2):c.3299_3306dup (p.Val1103fs)

Gene: PALB2 (partner and localizer of BRCA2; minus strand). Cytogenetic location: 16p12.2.
Variant type: Duplication.
Coding change: c.3299_3306dup on transcript NM_024675.4 (MANE Select); coding-DNA positions 3299 to 3306, 8 bases duplicated (CTCTCAGC; older notation c.3299_3306dupCTCTCAGC).
Protein change: p.Val1103fs; shifts the reading frame from valine 1103.
Molecular consequence: frameshift variant.
Genome position (GRCh38, 1-based): chr16:23,607,908-23,607,915, GCTGAGAG duplicated on the plus strand (CTCTCAGC on the coding strand, the reverse complement: PALB2 is on the minus strand). VCF-style (leftmost placement, unchanged base first): chr16-23607907-C-CGCTGAGAG. GRCh37 (hg19) VCF-style: chr16-23619228-C-CGCTGAGAG.
Other names: c.3299_3306dupCTCTCAGC (NM_024675.3); short protein forms V1103fs.
Identifiers: ClinVar variation 460986 (VCV000460986.20), dbSNP rs1555458187, ClinGen allele CA658658455.